The following is an entry in ClinVar:

NM_005591.4(MRE11):c.1143del (p.Phe381fs)

Gene: MRE11 (MRE11 double strand break repair nuclease; minus strand). Cytogenetic location: 11q21.
Variant type: Deletion.
Coding change: c.1143del on transcript NM_005591.4 (MANE Select); coding-DNA position 1143, one base deleted (T; older notation c.1143delT).
Protein change: p.Phe381fs; shifts the reading frame from phenylalanine 381.
Molecular consequence: frameshift variant.
Genome position (GRCh38, 1-based): chr11:94,464,195, A deleted on the plus strand (T on the coding strand, the reverse complement: MRE11 is on the minus strand); the first of 3 consecutive A bases (chr11:94,464,195-94,464,197); deleting any one gives the same sequence. VCF-style (leftmost placement, unchanged base first): chr11-94464194-TA-T. GRCh37 (hg19) VCF-style: chr11-94197360-TA-T.
Other names: c.1143del, p.Phe381fs (NM_001330347.2, NM_005590.4); c.1143delT (NM_005591.3); short protein forms F381fs.
Identifiers: ClinVar variation 216094 (VCV000216094.14), dbSNP rs863224508, ClinGen allele CA337134.
Genomic context (GRCh38, chr11:94,464,194, plus strand): 5'-TATGCCTGAAAAAATGGATAATGTCTTTTGGATTAGCTACCCGATCCACAAATTTCTGGC[TA>T]AAGCGAAGAACACTGAAAGGTTCAAAACCTCCACTATAGTCCACCTGAAAACACAGAATA-3'

ClinVar aggregate classification (germline): Pathogenic/Likely pathogenic. Review status: criteria provided, multiple submitters, no conflicts (2 of 4 stars). 4 submissions from 3 submitters: Pathogenic (3); Likely pathogenic (1). Last evaluated 2023-10-17.

Conditions:
Ataxia-telangiectasia-like disorder (ATLD). Identifiers: MedGen C1858391, MONDO:0011457.
Hereditary cancer-predisposing syndrome. Also called: Hereditary Cancer Syndrome; Hereditary neoplastic syndrome; Neoplastic Syndromes, Hereditary; Tumor predisposition. Identifiers: Orphanet 140162, MedGen C0027672, MeSH D009386, MONDO:0015356.
Ataxia-telangiectasia-like disorder 1 (ATLD1). Identifiers: Orphanet 251347, MedGen C4012790, MONDO:0024557, OMIM 604391.

Submissions (4):

Baylor Genetics
Classification: Likely pathogenic for Ataxia-telangiectasia-like disorder 1. Last evaluated: 2023-10-17. Review status: criteria provided, single submitter. Criteria: ACMG Guidelines, 2015. Collection method: clinical testing. Allele origin: unknown.

Labcorp Genetics (formerly Invitae), Labcorp
Classification: Pathogenic for Ataxia-telangiectasia-like disorder. Last evaluated: 2023-07-17. Review status: criteria provided, single submitter. Criteria: Invitae Variant Classification Sherloc (09022015). Collection method: clinical testing. Allele origin: germline.
Comment: This variant has not been reported in the literature in individuals affected with MRE11A-related conditions. For these reasons, this variant has been classified as Pathogenic. ClinVar contains an entry for this variant (Variation ID: 216094). This variant is not present in population databases (gnomAD no frequency). This sequence change creates a premature translational stop signal (p.Phe381Leufs*9) in the MRE11A gene. It is expected to result in an absent or disrupted protein product. Loss-of-function variants in MRE11A are known to be pathogenic (PMID: 23080121, 23912341).

Ambry Genetics
Classification: Pathogenic for Hereditary cancer-predisposing syndrome. Last evaluated: 2016-03-28. Review status: criteria provided, single submitter. Criteria: Ambry Variant Classification Scheme 2023. Collection method: clinical testing. Allele origin: germline.
Comment: The c.1143delT pathogenic mutation, located in coding exon 10 of the MRE11A gene, results from a deletion of one nucleotide at nucleotide position 1143, causing a translational frameshift with a predicted alternate stop codon. This alteration is expected to result in loss of function by premature protein truncation or nonsense-mediated mRNA decay. As such, this alteration is interpreted as a disease-causing mutation.

Labcorp Genetics (formerly Invitae), Labcorp
Classification: Pathogenic for Hereditary cancer-predisposing syndrome. Last evaluated: 2015-05-18. Review status: criteria provided, single submitter. Criteria: Invitae Variant Classification Sherloc (09022015). Collection method: clinical testing. Allele origin: germline.
Comment: This sequence change creates a premature translational stop signal at codon 381 (p.Phe381Leufs*9). It is expected to result in an absent or disrupted protein product. While this particular variant has not been reported in the literature, truncating variants in MRE11A are known to be pathogenic PMID: 10612394, 11371508). For these reasons, this variant has been classified as Pathogenic.

Literature cited by the submitters: PubMed 23080121 (cited by Labcorp Genetics (formerly Invitae), Labcorp); PubMed 23912341 (cited by Labcorp Genetics (formerly Invitae), Labcorp).